The following is an entry in ClinVar:

ClinVar aggregate classification (germline): Uncertain significance (1 of 4 stars; one submission).

Submission:

Ambry Genetics
Classification: Uncertain significance. Last evaluated: 2024-12-19. Review status: criteria provided, single submitter. Criteria: Ambry Variant Classification Scheme 2023. Collection method: clinical testing. Allele origin: germline.
Comment: The p.K2135R variant (also known as c.6404A>G), located in coding exon 27 of the WNK2 gene, results from an A to G substitution at nucleotide position 6404. The lysine at codon 2135 is replaced by arginine, an amino acid with highly similar properties. This amino acid position is conserved. In addition, this alteration is predicted to be tolerated by in silico analysis. Based on the available evidence, the clinical significance of this variant remains unclear.

NM_006648.4(WNK2):c.6404A>G (p.Lys2135Arg)

Gene: WNK2 (WNK lysine deficient protein kinase 2; plus strand). Cytogenetic location: 9q22.31.
Variant type: single nucleotide variant.
Coding change: c.6404A>G on transcript NM_006648.4 (MANE Select); coding-DNA position 6404, A replaced by G.
Protein change: p.Lys2135Arg; replaces lysine 2135 with arginine.
Molecular consequence: missense variant.
Genome position (GRCh38, 1-based): chr9:93,308,472, A>G. VCF-style: chr9-93308472-A-G. GRCh37 (hg19) VCF-style: chr9-96070754-A-G.
Other names: c.6515A>G, p.Lys2172Arg (NM_001282394.3); short protein forms K2172R, K2135R.
Identifiers: ClinVar variation 3816539 (VCV003816539.1).
Genomic context (GRCh38, chr9:93,308,472, plus strand): 5'-ACAACAAGAAGGGTACCTTCACGGACGACCTGCACAAGCTGGTGGACGAGTGGACGAGCA[A>G]GACGGTGGGGGCCGCGCAGCTGAAGCCCACGCTCAACCAGCTGAAGCAGACCCAGAAGCT-3'
Protein context (NP_006639.3, residues 2125-2145): LHKLVDEWTS[Lys2135Arg]TVGAAQLKPT